The following is an entry in ClinVar:

NM_001042492.3(NF1):c.2827_2828del (p.Lys943fs)

Gene: NF1 (neurofibromin 1; plus strand). Cytogenetic location: 17q11.2.
Variant type: Deletion.
Coding change: c.2827_2828del on transcript NM_001042492.3 (MANE Select); coding-DNA positions 2827 to 2828, 2 bases deleted (AA; older notation c.2827_2828delAA).
Protein change: p.Lys943fs; shifts the reading frame from lysine 943.
Molecular consequence: frameshift variant.
Genome position (GRCh38, 1-based): chr17:31,229,442-31,229,443, AA deleted. VCF-style (leftmost placement, unchanged base first): chr17-31229441-CAA-C. GRCh37 (hg19) VCF-style: chr17-29556459-CAA-C.
Other names: c.2827_2828delAA, p.Lys943Valfs (NM_000267.4); short protein forms K943fs.
Identifiers: ClinVar variation 2821104 (VCV002821104.3), dbSNP rs2508189392, ClinGen allele CA2739267360.

ClinVar aggregate classification (germline): Pathogenic (1 of 4 stars; one submission).

Conditions:
Neurofibromatosis, type 1 (NF1). Also called: VON RECKLINGHAUSEN DISEASE; Peripheral type neurofibromatosis; Neurofibromatosis, type I; NEUROFIBROMATOSIS, TYPE I, SOMATIC. Identifiers: Orphanet 636, MedGen C0027831, MONDO:0018975, OMIM 162200. Disease mechanism: loss of function.

Submission:

Labcorp Genetics (formerly Invitae), Labcorp
Classification: Pathogenic for Neurofibromatosis, type 1. Last evaluated: 2022-12-15. Review status: criteria provided, single submitter. Criteria: Invitae Variant Classification Sherloc (09022015). Collection method: clinical testing. Allele origin: germline.
Comment: This variant has not been reported in the literature in individuals affected with NF1-related conditions. For these reasons, this variant has been classified as Pathogenic. This variant is not present in population databases (gnomAD no frequency). This sequence change creates a premature translational stop signal (p.Lys943Valfs*3) in the NF1 gene. It is expected to result in an absent or disrupted protein product. Loss-of-function variants in NF1 are known to be pathogenic (PMID: 10712197, 23913538).

Literature cited by the submitters: PubMed 10712197; PubMed 23913538.